The following is an entry in ClinVar:

ClinVar aggregate classification (germline): Likely benign. Review status: criteria provided, multiple submitters, no conflicts (2 of 4 stars). 3 submissions from 3 submitters: Likely benign (3). Last evaluated 2025-10-24.

Conditions:
Congenital disorder of glycosylation type 1E (CDG1E). Also called: CONGENITAL DISORDER OF GLYCOSYLATION, TYPE Ie; CDG Ie. Identifiers: Orphanet 79322, MedGen C1837396, MONDO:0012123, OMIM 608799.

Submissions (3):

Labcorp Genetics (formerly Invitae), Labcorp
Classification: Likely benign for Congenital disorder of glycosylation type 1E. Last evaluated: 2025-10-24. Review status: criteria provided, single submitter. Criteria: Invitae Variant Classification Sherloc (09022015). Collection method: clinical testing. Allele origin: germline.

Mayo Clinic Laboratories, Mayo Clinic
Classification: Likely benign. Last evaluated: 2025-06-26. Review status: criteria provided, single submitter. Criteria: ACMG Guidelines, 2015. Collection method: clinical testing. Allele origin: germline. Observed: 2 variant alleles.
Comment: BS1, BP4, BP7

Blueprint Genetics
Classification: Likely benign. Last evaluated: 2024-11-26. Review status: criteria provided, single submitter. Criteria: ACMG Guidelines, 2015. Collection method: clinical testing. Allele origin: germline.

NM_003859.3(DPM1):c.679-9_679-8dup

Genes: ADNP-AS1 (ADNP antisense RNA 1; plus strand), DPM1 (dolichyl-phosphate mannosyltransferase subunit 1, catalytic; minus strand). Cytogenetic location: 20q13.13.
Variant type: Duplication.
Coding change: c.679-9_679-8dup on transcript NM_003859.3 (MANE Select); 9 bases into the intron before coding-DNA position 679 through 8 bases into the intron before coding-DNA position 679, 2 bases duplicated (TT; older notation c.679-9_679-8dupTT).
Molecular consequence: intron variant.
Genome position (GRCh38, 1-based): chr20:50,935,244-50,935,245, AA duplicated on the plus strand (TT on the coding strand, the reverse complement: DPM1 is on the minus strand); duplicating any 2 consecutive bases within chr20:50,935,244-50,935,255 gives the same sequence; the c. name uses the placement nearest the transcript's 3' end. VCF-style (leftmost placement, unchanged base first): chr20-50935243-T-TAA. GRCh37 (hg19) VCF-style: chr20-49551780-T-TAA.
Other names: p.?; c.610-9_610-8dup (NM_001317036.1); c.760-9_760-8dup (NM_001317035.1); c.784-9_784-8dup (NM_001317034.1); c.679-9_679-8dup (NM_003859.2).
Identifiers: ClinVar variation 2175537 (VCV002175537.6), dbSNP rs11483542, ClinGen allele CA9909007.